The following is an entry in ClinVar:

NM_001267550.2(TTN):c.40353T>G (p.Pro13451=)

Gene: TTN (titin; minus strand). Cytogenetic location: 2q31.2.
Variant type: single nucleotide variant.
Coding change: c.40353T>G on transcript NM_001267550.2 (MANE Select); coding-DNA position 40353, T replaced by G.
Protein change: p.Pro13451=; no amino-acid change (proline 13451 retained).
Molecular consequence: synonymous variant. On other transcripts: intron variant (3).
Genome position (GRCh38, 1-based): chr2:178,645,975, A>C on the plus strand (T>G on the coding strand, the complement: TTN is on the minus strand). VCF-style: chr2-178645975-A-C. GRCh37 (hg19) VCF-style: chr2-179510702-A-C.
Other names: c.35430T>G, p.Pro11810= (NM_001256850.1); c.32649T>G, p.Pro10883= (NM_133378.4); c.13283-3658T>G (NM_003319.4); c.13859-3658T>G (NM_133437.4); c.13658-3658T>G (NM_133432.3).
Identifiers: ClinVar variation 4823549 (VCV004823549.4).
Genomic context (GRCh38, chr2:178,645,975, plus strand): 5'-TTTACCTTTAAGTTGGAATATTTTCTCCTTCACATCTTCCTTAGGTGGAGCAGGTGGAGG[A>C]GGTGGGGGTCTTGGTTTGAGTTTTGGCTTCTCAATAACCTTTTCAGGTTCAGGTTCTTGA-3'
Protein context (NP_001254479.2, residues 13441-13461): EKPKLKPRPP[Pro13451=]PPPAPPKEDV

ClinVar aggregate classification (germline): Likely benign (1 of 4 stars; one submission).

Submission:

CeGaT Center for Human Genetics Tuebingen
Classification: Likely benign. Last evaluated: 2026-03-01. Review status: criteria provided, single submitter. Criteria: CeGaT Center For Human Genetics Tuebingen Variant Classification Criteria Version 2. Collection method: clinical testing. Allele origin: germline. Affected: yes. Observed: 1 variant allele.
Comment: TTN: PM2:Supporting, BP4, BP7